The following is an entry in ClinVar:

NM_001079.4(ZAP70):c.1673T>C (p.Met558Thr)

Gene: ZAP70 (zeta chain of T cell receptor associated protein kinase 70; plus strand). Cytogenetic location: 2q11.2.
Variant type: single nucleotide variant.
Coding change: c.1673T>C on transcript NM_001079.4 (MANE Select); coding-DNA position 1673, T replaced by C.
Protein change: p.Met558Thr; replaces methionine 558 with threonine.
Molecular consequence: missense variant.
Genome position (GRCh38, 1-based): chr2:97,738,044, T>C. VCF-style: chr2-97738044-T-C. GRCh37 (hg19) VCF-style: chr2-98354507-T-C.
Other names: c.1673T>C, p.Met558Thr (NM_001378594.1); c.752T>C, p.Met251Thr (NM_207519.2); short protein forms M251T, M558T.
Identifiers: ClinVar variation 1471712 (VCV001471712.7), dbSNP rs2104705108, ClinGen allele CA347805387.
Genomic context (GRCh38, chr2:97,738,044, plus strand): 5'-GGCTTGAGCAGAAGATGAAAGGGCCGGAGGTCATGGCCTTCATCGAGCAGGGCAAGCGGA[T>C]GGAGTGCCCACCAGAGTGTCCACCCGAACTGTACGCACTCATGAGTGACTGCTGGATCTA-3'
Protein context (NP_001070.2, residues 548-568): VMAFIEQGKR[Met558Thr]ECPPECPPEL

ClinVar aggregate classification (germline): Uncertain significance (1 of 4 stars; one submission).

Conditions:
Combined immunodeficiency due to ZAP70 deficiency (IMD48). Also called: ZAP70 Deficiency; Immunodeficiency 48. Identifiers: Orphanet 911, MedGen C2931299, MONDO:0010023, OMIM 269840.

Submission:

Labcorp Genetics (formerly Invitae), Labcorp
Classification: Uncertain significance for Combined immunodeficiency due to ZAP70 deficiency. Last evaluated: 2024-10-15. Review status: criteria provided, single submitter. Criteria: Invitae Variant Classification Sherloc (09022015). Collection method: clinical testing. Allele origin: germline.
Comment: This sequence change replaces methionine, which is neutral and non-polar, with threonine, which is neutral and polar, at codon 558 of the ZAP70 protein (p.Met558Thr). This variant is not present in population databases (gnomAD no frequency). This variant has not been reported in the literature in individuals affected with ZAP70-related conditions. ClinVar contains an entry for this variant (Variation ID: 1471712). An algorithm developed to predict the effect of missense changes on protein structure and function (PolyPhen-2) suggests that this variant is likely to be disruptive. In summary, the available evidence is currently insufficient to determine the role of this variant in disease. Therefore, it has been classified as a Variant of Uncertain Significance.